The following is an entry in ClinVar:

ClinVar aggregate classification (germline): Pathogenic (0 of 4 stars; one submission).

Submission:

Quest Diagnostics Nichols Institute San Juan Capistrano
Classification: Pathogenic. Last evaluated: 2020-09-25. Review status: no assertion criteria provided. Collection method: clinical testing. Allele origin: germline.
Comment: This deletion involves exons 5-7 of DMD gene (OMIM 300377). Loss-of-function variants in DMD, such as entire or intragenic deletions and duplications as well as sequence variants, cause X-linked recessive Duchenne muscular dystrophy and Becker muscular dystrophy (OMIM 310200 and 300376) and Cardiomyopathy, dilated, 3B (OMIM 302045). Age of onset and severity of progressive muscular weakness depend on the variants characteristics. In general, in-frame variants have often been seen in patients with milder phenotype, while out-of-frame variants associate with more severe phenotype. Manifesting female carriers may demonstrate variable degrees of symptoms (mild, moderate, or severe muscular dystrophy) depending, in part, on patterns of X-chromosome inactivation. The current deletion is a out-frame deletion. Similar deletions of exons 5-7 have been reported in patients with (Am J Med Genet C Semin Med Genet. 2019 Jun;181(2):230-244.PMID: 31081998; Folia Biol (Praha). 2001;47(3):81-7. PMID: 11409318). Smaller deletions that involve one or two exons between exons 5 to 7 have also been reported in multiple publications (J Zhejiang Univ Sci B. 2019 Sept.;20(9):753-765.PMID: 31379145; PLoS One. 2016 Jan 8;11(1):e0145620.PMID: 26745801; Hum Mutat. 2020 Mar;41(3):668-677.PMID: 31705731 etc.).

GRCh37/hg19 Xp21.1(chrX:32795826-32852263)x0

Gene: DMD (dystrophin; minus strand). Cytogenetic location: Xp21.1.
Variant type: copy number loss.
Change: copy number 0 of chrX:32,795,826-32,852,263 (56.4 kb, GRCh37 coordinates, 1-based), cytogenetic band Xp21.1.
Identifiers: ClinVar variation 1341061 (VCV001341061.1).